The following is an entry in ClinVar:

NM_033360.4(KRAS):c.436G>C (p.Ala146Pro)

Gene: KRAS (KRAS proto-oncogene, GTPase; minus strand). Cytogenetic location: 12p12.1.
Variant type: single nucleotide variant.
Coding change: c.436G>C on transcript NM_033360.4 (MANE Plus Clinical); coding-DNA position 436, G replaced by C.
Protein change: p.Ala146Pro; replaces alanine 146 with proline.
Molecular consequence: missense variant.
Genome position (GRCh38, 1-based): chr12:25,225,628, C>G on the plus strand (G>C on the coding strand, the complement: KRAS is on the minus strand). VCF-style: chr12-25225628-C-G. GRCh37 (hg19) VCF-style: chr12-25378562-C-G.
Other names: c.436G>C, p.Ala146Pro (LRG_344t2, LRG_344t1, NM_001369786.1 and 2 more transcripts); short protein forms A146P.
Identifiers: ClinVar variation 375963 (VCV000375963.13), dbSNP rs121913527, ClinGen allele CA16602441.
Genomic context (GRCh38, chr12:25,225,628, plus strand): 5'-ATGATTTTGCAGAAAACAGATCTGTATTTATTTCAGTGTTACTTACCTGTCTTGTCTTTG[C>G]TGATGTTTCAATAAAAGGAATTCCATAACTTCTTGCTAAGTCCTGAGCCTGTTTTGTGTC-3'
Protein context (NP_203524.1, residues 136-156): SYGIPFIETS[Ala146Pro]KTRQRVEDAF

ClinVar aggregate classification (germline): Pathogenic/Likely pathogenic. Review status: criteria provided, multiple submitters, no conflicts (2 of 4 stars). 4 submissions from 4 submitters: Pathogenic (1); Likely pathogenic (2). 1 of the submissions does not count toward it. Last evaluated 2025-07-03.

Conditions:
RASopathy. Also called: Noonan spectrum disorder; rasopathies. Identifiers: Orphanet 536391, MedGen C5555857, MONDO:0021060.
Encephalocraniocutaneous lipomatosis (ECCL). Identifiers: Orphanet 2396, MedGen C0406612, MONDO:0013074, OMIM 613001.
Autoimmune lymphoproliferative syndrome type 4. Also called: AUTOIMMUNE LYMPHOPROLIFERATIVE SYNDROME, TYPE IV; RAS-associated autoimmune leukoproliferative disorder. Identifiers: Orphanet 268114, MedGen C2674723, MONDO:0013767, OMIM 614470.
Multiple myeloma (MM). Also called: Plasma cell myeloma; Multiple myeloma, somatic. Identifiers: Orphanet 29073, Orphanet 85443, MedGen C0026764, MeSH D009101, MONDO:0009693, OMIM 254500, HP:0006775.

Allele frequency attached by ClinVar (database versions not stated): TOPMed below 0.00001.

Submissions (4):

Molecular Genetics of Human Eye Development, Oxford Brookes University
Classification: Likely pathogenic for Encephalocraniocutaneous lipomatosis. Last evaluated: 2025-07-03. Review status: criteria provided, single submitter. Criteria: ACMG Guidelines, 2015. Collection method: clinical testing. Allele origin: somatic. Affected: yes.
Comment: The KRAS missense variant (NM_004985.5:c.436G>C; p.Ala146Pro) was detected at an allele frequency of 21–38% in affected tissues and was absent in blood, consistent with a post-zygotic mosaic variant. The variant affects the highly conserved amino acid residue Ala146, a known mutational hotspot associated with mosaic RASopathies. Alternative substitutions of this residue (p.Ala146Val and p.Ala146Thr) have been reported in individuals with developmental mosaic RASopathies (PMIDs: 26970110, 30891959, 35409398) (PM5). Although the variant has not been previously reported in affected individuals, multiple in silico tools predict a deleterious effect (PP3). It has also been identified as a somatic variant in various types of malignancies in the cancer database COSMIC (ID: COSM19905). Considering the mosaic distribution, the location within a recurrent mutational hotspot, and in silico predictions of pathogenicity, the KRAS p.Ala146Pro variant is classified as ‘likely pathogenic’ according to ACMG/AMP criteria (PS2, PM5, PP3).

Labcorp Genetics (formerly Invitae), Labcorp
Classification: Likely pathogenic for RASopathy. Last evaluated: 2024-02-05. Review status: criteria provided, single submitter. Criteria: Invitae Variant Classification Sherloc (09022015). Collection method: clinical testing. Allele origin: germline.
Comment: This sequence change replaces alanine, which is neutral and non-polar, with proline, which is neutral and non-polar, at codon 146 of the KRAS protein (p.Ala146Pro). This variant is not present in population databases (gnomAD no frequency). This variant has not been reported in the literature as a germline variant in individuals affected with KRAS-related conditions. ClinVar contains an entry for this variant (Variation ID: 375963). Advanced modeling of protein sequence and biophysical properties (such as structural, functional, and spatial information, amino acid conservation, physicochemical variation, residue mobility, and thermodynamic stability) performed at Invitae indicates that this missense variant is expected to disrupt KRAS protein function with a positive predictive value of 95%. Experimental studies have shown that this missense change affects KRAS function (PMID: 34117033). This variant disrupts the p.Ala146 amino acid residue in KRAS. Other variant(s) that disrupt this residue have been determined to be pathogenic (Invitae). This suggests that this residue is clinically significant, and that variants that disrupt this residue are likely to be disease-causing. In summary, the currently available evidence indicates that the variant is pathogenic, but additional data are needed to prove that conclusively. Therefore, this variant has been classified as Likely Pathogenic.

Kasturba Medical College, Manipal, Kasturba Medical College, Manipal, Manipal Academy of Higher Education, Manipal, India
Classification: Pathogenic for Autoimmune lymphoproliferative syndrome type 4. Review status: criteria provided, single submitter. Criteria: ACMG Guidelines, 2015. Collection method: clinical testing. Allele origin: somatic. Affected: yes.

Xiao lab, Department of Pathology, Memorial Sloan Kettering Cancer Center
Classification: Likely pathogenic for Multiple myeloma. Last evaluated: 2019-08-31. Review status: no assertion criteria provided. Collection method: clinical testing. Allele origin: somatic. Affected: yes. Not counted in ClinVar's aggregate classification.

Literature cited by the submitters: PubMed 26970110 (cited by Molecular Genetics of Human Eye Development, Oxford Brookes University); PubMed 30891959 (cited by Molecular Genetics of Human Eye Development, Oxford Brookes University); PubMed 35409398 (cited by Molecular Genetics of Human Eye Development, Oxford Brookes University); PubMed 34117033 (cited by Labcorp Genetics (formerly Invitae), Labcorp).